The following is an entry in ClinVar:

NM_024529.5(CDC73):c.259A>G (p.Arg87Gly)

Gene: CDC73 (cell division cycle 73; plus strand). Cytogenetic location: 1q31.2.
Variant type: single nucleotide variant.
Coding change: c.259A>G on transcript NM_024529.5 (MANE Select); coding-DNA position 259, A replaced by G.
Protein change: p.Arg87Gly; replaces arginine 87 with glycine.
Molecular consequence: missense variant.
Genome position (GRCh38, 1-based): chr1:193,130,195, A>G. VCF-style: chr1-193130195-A-G. GRCh37 (hg19) VCF-style: chr1-193099325-A-G.
Other names: short protein forms R87G.
Identifiers: ClinVar variation 4975599 (VCV004975599.1).

ClinVar aggregate classification (germline): Uncertain significance (1 of 4 stars; one submission).

Submission:

GeneDx
Classification: Uncertain significance. Last evaluated: 2026-01-26. Review status: criteria provided, single submitter. Criteria: GeneDx Variant Classification Process June 2021. Collection method: clinical testing. Allele origin: germline.
Comment: Not observed at significant frequency in large population cohorts (gnomAD); In silico analysis supports that this missense variant has a deleterious effect on protein structure/function; Has not been previously published as pathogenic or benign to our knowledge; This variant is associated with the following publications: (PMID: 17314275, 24340015)